The following is an entry in ClinVar:

NM_001005388.3(NFASC):c.1260C>T (p.Asn420=)

Gene: NFASC (neurofascin; plus strand). Cytogenetic location: 1q32.1.
Variant type: single nucleotide variant.
Coding change: c.1260C>T on transcript NM_001005388.3 (MANE Select); coding-DNA position 1260, C replaced by T.
Protein change: p.Asn420=; no amino-acid change (asparagine 420 retained).
Molecular consequence: synonymous variant. On other transcripts: non-coding transcript variant (1).
Genome position (GRCh38, 1-based): chr1:204,973,400, C>T. VCF-style: chr1-204973400-C-T. GRCh37 (hg19) VCF-style: chr1-204942528-C-T.
Other names: c.1260C>T, p.Asn420= (NM_001005389.2, NM_001378329.1); c.1293C>T, p.Asn431= (NM_001160331.2, NM_001160332.2, NM_001365986.1 and 3 more transcripts); c.1242C>T, p.Asn414= (NM_001160333.2); c.1260C>T (NM_001005388.2).
Identifiers: ClinVar variation 722693 (VCV000722693.8), dbSNP rs61743235, ClinGen allele CA1349856.

ClinVar aggregate classification (germline): Benign/Likely benign. Review status: criteria provided, multiple submitters, no conflicts (2 of 4 stars). 4 submissions from 4 submitters: Benign (2); Likely benign (1). 1 of the submissions does not count toward it. Last evaluated 2024-11-14.

Conditions:
NFASC-related disorder. Also called: NFASC-related condition.

Allele frequency attached by ClinVar (database versions not stated): gnomAD exomes 0.00018 and 0.00041; ExAC 0.00044; gnomAD 0.00124 and 0.00129; TOPMed 0.00131; 1000 Genomes Project 0.00140; 1000 Genomes Project 30x 0.00141; ESP Exome Variant Server 0.00161.
gnomAD v4.1: 512 of 1,614,254 alleles (0.032%); highest among the groups gnomAD compares: African/African-American, 0.45%; 4 homozygotes.

Submissions (4):

Blueprint Genetics
Classification: Likely benign. Last evaluated: 2024-11-14. Review status: criteria provided, single submitter. Criteria: ACMG Guidelines, 2015. Collection method: clinical testing. Allele origin: germline.

Labcorp Genetics (formerly Invitae), Labcorp
Classification: Benign. Last evaluated: 2019-12-31. Review status: criteria provided, single submitter. Criteria: Invitae Variant Classification Sherloc (09022015). Collection method: clinical testing. Allele origin: germline.

Breakthrough Genomics
Classification: Benign. Review status: criteria provided, single submitter. Criteria: ACMG Guidelines, 2015. Collection method: not provided. Allele origin: germline. Inheritance: Autosomal recessive inheritance. Affected: yes.

PreventionGenetics, part of Exact Sciences
Classification: Likely benign for NFASC-related condition. Last evaluated: 2019-10-28. Review status: no assertion criteria provided. Collection method: clinical testing. Allele origin: germline. Not counted in ClinVar's aggregate classification.
Comment: This variant is classified as likely benign based on ACMG/AMP sequence variant interpretation guidelines (Richards et al. 2015 PMID: 25741868, with internal and published modifications).